The following is an entry in ClinVar:

NM_006231.4(POLE):c.703G>A (p.Asp235Asn)

Gene: POLE (DNA polymerase epsilon, catalytic subunit; minus strand). Cytogenetic location: 12q24.33.
Variant type: single nucleotide variant.
Coding change: c.703G>A on transcript NM_006231.4 (MANE Select); coding-DNA position 703, G replaced by A.
Protein change: p.Asp235Asn; replaces aspartic acid 235 with asparagine.
Molecular consequence: missense variant.
Genome position (GRCh38, 1-based): chr12:132,677,595, C>T on the plus strand (G>A on the coding strand, the complement: POLE is on the minus strand). VCF-style: chr12-132677595-C-T. GRCh37 (hg19) VCF-style: chr12-133254181-C-T.
Other names: short protein forms D235N.
Identifiers: ClinVar variation 2838260 (VCV002838260.3), dbSNP rs2136020142, ClinGen allele CA387364658.

ClinVar aggregate classification (germline): Uncertain significance (1 of 4 stars; one submission).

Submission:

Labcorp Genetics (formerly Invitae), Labcorp
Classification: Uncertain significance. Last evaluated: 2026-01-27. Review status: criteria provided, single submitter. Criteria: Invitae Variant Classification Sherloc (09022015). Collection method: clinical testing. Allele origin: germline.
Comment: This sequence change replaces aspartic acid, which is acidic and polar, with asparagine, which is neutral and polar, at codon 235 of the POLE protein (p.Asp235Asn). This variant is not present in population databases (gnomAD no frequency). This variant has not been reported in the literature in individuals affected with POLE-related conditions. ClinVar contains an entry for this variant (Variation ID: 2838260). Invitae Evidence Modeling of protein sequence and biophysical properties (such as structural, functional, and spatial information, amino acid conservation, physicochemical variation, residue mobility, and thermodynamic stability) indicates that this missense variant is not expected to disrupt POLE protein function with a negative predictive value of 80%. In summary, the available evidence is currently insufficient to determine the role of this variant in disease. Therefore, it has been classified as a Variant of Uncertain Significance.